The following is an entry in ClinVar:

ClinVar aggregate classification (germline): Uncertain significance (1 of 4 stars; one submission).

Submission:

Labcorp Genetics (formerly Invitae), Labcorp
Classification: Uncertain significance. Last evaluated: 2022-02-05. Review status: criteria provided, single submitter. Criteria: Invitae Variant Classification Sherloc (09022015). Collection method: clinical testing. Allele origin: germline.
Comment: Advanced modeling of protein sequence and biophysical properties (such as structural, functional, and spatial information, amino acid conservation, physicochemical variation, residue mobility, and thermodynamic stability) performed at Invitae indicates that this missense variant is not expected to disrupt WFS1 protein function. This missense change has been observed in individual(s) with Wolfram syndrome (PMID: 12754709). This variant is not present in population databases (gnomAD no frequency). This sequence change replaces valine, which is neutral and non-polar, with leucine, which is neutral and non-polar, at codon 606 of the WFS1 protein (p.Val606Leu). In summary, the available evidence is currently insufficient to determine the role of this variant in disease. Therefore, it has been classified as a Variant of Uncertain Significance.

Literature cited by the submitters: PubMed 12754709.

NM_006005.3(WFS1):c.1816G>T (p.Val606Leu)

Gene: WFS1 (wolframin ER transmembrane glycoprotein; plus strand). Cytogenetic location: 4p16.1.
Variant type: single nucleotide variant.
Coding change: c.1816G>T on transcript NM_006005.3 (MANE Select); coding-DNA position 1816, G replaced by T.
Protein change: p.Val606Leu; replaces valine 606 with leucine.
Molecular consequence: missense variant.
Genome position (GRCh38, 1-based): chr4:6,301,611, G>T. VCF-style: chr4-6301611-G-T. GRCh37 (hg19) VCF-style: chr4-6303338-G-T.
Other names: c.1816G>T, p.Val606Leu (NM_001145853.1); short protein forms V606L.
Identifiers: ClinVar variation 1415509 (VCV001415509.8), dbSNP rs750599648, ClinGen allele CA356176900.